The following is an entry in ClinVar:

ClinVar aggregate classification (germline): Conflicting classifications of pathogenicity. Review status: criteria provided, conflicting classifications (1 of 4 stars). 4 submissions from 4 submitters: Uncertain significance (3); Likely benign (1). Last evaluated 2026-01-20.

Conditions:
Left ventricular noncompaction 8 (LVNC8). Identifiers: Orphanet 154, Orphanet 54260, MedGen C3809288, MONDO:0014152, OMIM 615373.

Allele frequency attached by ClinVar (database versions not stated): gnomAD 0.00001; TOPMed 0.00001; ExAC 0.00003; gnomAD exomes 0.00003.
gnomAD v4.1: 36 of 1,613,766 alleles (0.0022%); highest among the groups gnomAD compares: South Asian, 0.0099%; no homozygotes.

Submissions (4):

Labcorp Genetics (formerly Invitae), Labcorp
Classification: Uncertain significance for Left ventricular noncompaction 8. Last evaluated: 2026-01-20. Review status: criteria provided, single submitter. Criteria: Invitae Variant Classification Sherloc (09022015). Collection method: clinical testing. Allele origin: germline.
Comment: This sequence change replaces glutamic acid, which is acidic and polar, with lysine, which is basic and polar, at codon 1242 of the PRDM16 protein (p.Glu1242Lys). This variant is present in population databases (rs772460000, gnomAD 0.01%). This variant has not been reported in the literature in individuals affected with PRDM16-related conditions. ClinVar contains an entry for this variant (Variation ID: 931599). An algorithm developed to predict the effect of missense changes on protein structure and function (PolyPhen-2) suggests that this variant is likely to be tolerated. In summary, the available evidence is currently insufficient to determine the role of this variant in disease. Therefore, it has been classified as a Variant of Uncertain Significance.

GeneDx
Classification: Uncertain significance. Last evaluated: 2022-11-15. Review status: criteria provided, single submitter. Criteria: GeneDx Variant Classification Process June 2021. Collection method: clinical testing. Allele origin: germline. Affected: yes.
Comment: In silico analysis supports that this missense variant does not alter protein structure/function; Has not been previously published as pathogenic or benign to our knowledge; This variant is associated with the following publications: (PMID: 29420653)

Blueprint Genetics
Classification: Likely benign. Last evaluated: 2022-10-26. Review status: criteria provided, single submitter. Criteria: ACMG Guidelines, 2015. Collection method: clinical testing. Allele origin: germline.

Centre for Mendelian Genomics, University Medical Centre Ljubljana
Classification: Uncertain significance for Left ventricular noncompaction 8. Last evaluated: 2019-05-20. Review status: criteria provided, single submitter. Criteria: ACMG Guidelines, 2015. Collection method: clinical testing. Allele origin: unknown. Affected: yes.
Comment: This variant was classified as: Uncertain significance. The available evidence on this variant's pathogenicity is insufficient or conflicting. The following ACMG criteria were applied in classifying this variant: PP3.

NM_022114.4(PRDM16):c.3724G>A (p.Glu1242Lys)

Gene: PRDM16 (PR/SET domain 16; plus strand). Cytogenetic location: 1p36.32.
Variant type: single nucleotide variant.
Coding change: c.3724G>A on transcript NM_022114.4 (MANE Select); coding-DNA position 3724, G replaced by A.
Protein change: p.Glu1242Lys; replaces glutamic acid 1242 with lysine.
Molecular consequence: missense variant. On other transcripts: intron variant (1).
Genome position (GRCh38, 1-based): chr1:3,433,704, G>A. VCF-style: chr1-3433704-G-A. GRCh37 (hg19) VCF-style: chr1-3350268-G-A.
Other names: c.3697-30G>A (NM_199454.3); short protein forms E1242K.
Identifiers: ClinVar variation 931599 (VCV000931599.9), dbSNP rs772460000, ClinGen allele CA544968.